The following is an entry in ClinVar:

ClinVar aggregate classification (germline): Uncertain significance (1 of 4 stars; one submission).

Allele frequency attached by ClinVar (database versions not stated): gnomAD exomes 0.00001; TOPMed 0.00001; gnomAD 0.00001.
gnomAD v4.1: 21 of 1,613,716 alleles (0.0013%); highest among the groups gnomAD compares: South Asian, 0.0022%; no homozygotes.

Submission:

Labcorp Genetics (formerly Invitae), Labcorp
Classification: Uncertain significance. Last evaluated: 2021-01-12. Review status: criteria provided, single submitter. Criteria: Invitae Variant Classification Sherloc (09022015). Collection method: clinical testing. Allele origin: germline.
Comment: Algorithms developed to predict the effect of missense changes on protein structure and function are either unavailable or do not agree on the potential impact of this missense change (SIFT: Not Available; PolyPhen-2: "Benign"; Align-GVGD: Not Available). In summary, the available evidence is currently insufficient to determine the role of this variant in disease. Therefore, it has been classified as a Variant of Uncertain Significance. This variant has not been reported in the literature in individuals with ADAMTS18-related conditions. This variant is not present in population databases (ExAC no frequency). This sequence change replaces asparagine with serine at codon 712 of the ADAMTS18 protein (p.Asn712Ser). The asparagine residue is weakly conserved and there is a small physicochemical difference between asparagine and serine.

NM_199355.4(ADAMTS18):c.2135A>G (p.Asn712Ser)

Gene: ADAMTS18 (ADAM metallopeptidase with thrombospondin type 1 motif 18; minus strand). Cytogenetic location: 16q23.1.
Variant type: single nucleotide variant.
Coding change: c.2135A>G on transcript NM_199355.4 (MANE Select); coding-DNA position 2135, A replaced by G.
Protein change: p.Asn712Ser; replaces asparagine 712 with serine.
Molecular consequence: missense variant.
Genome position (GRCh38, 1-based): chr16:77,322,364, T>C on the plus strand (A>G on the coding strand, the complement: ADAMTS18 is on the minus strand). VCF-style: chr16-77322364-T-C. GRCh37 (hg19) VCF-style: chr16-77356261-T-C.
Other names: c.1619A>G, p.Asn540Ser (NM_001326358.2); short protein forms N540S, N712S.
Identifiers: ClinVar variation 1059542 (VCV001059542.5), dbSNP rs1300694410, ClinGen allele CA396828490.
Genomic context (GRCh38, chr16:77,322,364, plus strand): 5'-TCATACACTCCAAAGCAGAAACGTTCTCTTACTTCACAAACCCCGTCAATACAAACATCA[T>C]TTTTGTTTGGGGAGCAGGGAGTTCCATCTTTCACTTTGCCGGACATTGCAAAAAAAAATT-3'
Protein context (NP_955387.1, residues 702-722): KDGTPCSPNK[Asn712Ser]DVCIDGVCEL